The following is an entry in ClinVar:

ClinVar aggregate classification (germline): Uncertain significance (1 of 4 stars; one submission).

Conditions:
COL11A1-related disorder. Also called: COL11A1-related condition; COL11A1-related disorders.

Submission:

PreventionGenetics, part of Exact Sciences
Classification: Uncertain significance for COL11A1-related condition. Last evaluated: 2025-06-17. Review status: criteria provided, single submitter. Criteria: ACMG Guidelines, 2015. Collection method: clinical testing. Allele origin: germline.
Comment: The COL11A1 c.5276C>G variant is predicted to result in the amino acid substitution p.Ser1759Cys. To our knowledge, this variant has not been reported in the literature. This variant is absent in a large population database (gnomAD), indicating this variant is rare. At this time, the clinical significance of this variant is uncertain due to the absence of conclusive functional and genetic evidence.

NM_001854.4(COL11A1):c.5276C>G (p.Ser1759Cys)

Gene: COL11A1 (collagen type XI alpha 1 chain; minus strand). Cytogenetic location: 1p21.1.
Variant type: single nucleotide variant.
Coding change: c.5276C>G on transcript NM_001854.4 (MANE Select); coding-DNA position 5276, C replaced by G.
Protein change: p.Ser1759Cys; replaces serine 1759 with cysteine.
Molecular consequence: missense variant. On other transcripts: non-coding transcript variant (1).
Genome position (GRCh38, 1-based): chr1:102,878,164, G>C on the plus strand (C>G on the coding strand, the complement: COL11A1 is on the minus strand). VCF-style: chr1-102878164-G-C. GRCh37 (hg19) VCF-style: chr1-103343720-G-C.
Other names: c.5159C>G, p.Ser1720Cys (NM_001190709.2); c.5312C>G, p.Ser1771Cys (NM_080629.3); c.4928C>G, p.Ser1643Cys (NM_080630.4); short protein forms S1759C, S1720C, S1643C, S1771C.
Identifiers: ClinVar variation 4998221 (VCV004998221.1).